The following is an entry in ClinVar:

ClinVar aggregate classification (germline): Likely pathogenic (1 of 4 stars; one submission).

Conditions:
Dyskeratosis congenita, autosomal recessive 5 (DKCB5). Identifiers: MedGen C3554656, MONDO:0014076, OMIM 615190.
Pulmonary fibrosis and/or bone marrow failure, Telomere-related, 3. Also called: PULMONARY FIBROSIS AND/OR BONE MARROW FAILURE SYNDROME, TELOMERE-RELATED, 3. Identifiers: Orphanet 2032, MedGen C4225346, MONDO:0014613, OMIM 616373.

Submission:

Labcorp Genetics (formerly Invitae), Labcorp
Classification: Likely pathogenic for Dyskeratosis congenita, autosomal recessive 5; Pulmonary fibrosis and/or bone marrow failure, Telomere-related, 3. Last evaluated: 2020-10-08. Review status: criteria provided, single submitter. Criteria: Invitae Variant Classification Sherloc (09022015). Collection method: clinical testing. Allele origin: germline.
Comment: In summary, the currently available evidence indicates that the variant is pathogenic, but additional data are needed to prove that conclusively. Therefore, this variant has been classified as Likely Pathogenic. This variant disrupts the p.Met516 amino acid residue in RTEL1. Other variant(s) that disrupt this residue have been determined to be pathogenic (PMID: 23959892, 19461895, 23453664). This suggests that this residue is clinically significant, and that variants that disrupt this residue are likely to be disease-causing. This variant has not been reported in the literature in individuals with RTEL1-related conditions. This variant is a gross deletion of the genomic region encompassing exon(s) 3-35 of the RTEL1 gene. The 5' boundary is likely confined to intron 2. The 3' end of this event is unknown as it extends through the termination codon beyond the assayed region for this gene and may encompass additional genes. While this deletion is not anticipated to result in nonsense mediated decay, it is expected to create a truncated protein product or disrupt mRNA translation.

Literature cited by the submitters: PubMed 23959892; PubMed 19461895; PubMed 23453664.

NC_000020.10:g.(?_62292641)_(62327221_?)del

Gene: RTEL1 (regulator of telomere elongation helicase 1; plus strand). Cytogenetic location: 20q13.33.
Variant type: Deletion.
Identifiers: ClinVar variation 1066098 (VCV001066098.5).